The following is an entry in ClinVar:

NM_000051.4(ATM):c.8928T>C (p.Asp2976=)

Genes: ATM (ATM serine/threonine kinase; plus strand), C11orf65 (chromosome 11 open reading frame 65; minus strand). Cytogenetic location: 11q22.3.
Variant type: single nucleotide variant.
Coding change: c.8928T>C on transcript NM_000051.4 (MANE Select); coding-DNA position 8928, T replaced by C.
Protein change: p.Asp2976=; no amino-acid change (aspartic acid 2976 retained).
Molecular consequence: synonymous variant. On other transcripts: intron variant (2).
Genome position (GRCh38, 1-based): chr11:108,365,159, T>C. VCF-style: chr11-108365159-T-C. GRCh37 (hg19) VCF-style: chr11-108235886-T-C.
Other names: c.8928T>C, p.Asp2976= (NM_001351834.2); c.640+20761A>G (NM_001330368.2); c.694+20761A>G (NM_001351110.2).
Identifiers: ClinVar variation 185650 (VCV000185650.17), dbSNP rs786202343, ClinGen allele CA192528.

ClinVar aggregate classification (germline): Benign/Likely benign. Review status: criteria provided, multiple submitters, no conflicts (2 of 4 stars). 4 submissions from 4 submitters: Benign (1); Likely benign (3). Last evaluated 2024-08-13.

Conditions:
Hereditary cancer-predisposing syndrome. Also called: Hereditary Cancer Syndrome; Tumor predisposition; Neoplastic Syndromes, Hereditary; Hereditary neoplastic syndrome. Identifiers: Orphanet 140162, MedGen C0027672, MeSH D009386, MONDO:0015356.
Familial cancer of breast. Also called: hereditary breast carcinoma; BREAST CANCER, FAMILIAL; Hereditary breast cancer. Identifiers: Orphanet 227535, MedGen C0346153, MONDO:0016419, OMIM 114480. Disease mechanism: loss of function.
Ataxia-telangiectasia syndrome (AT). Also called: ATAXIA-TELANGIECTASIA, COMPLEMENTATION GROUP A; ATAXIA-TELANGIECTASIA, FRESNO VARIANT; Ataxia-telangiectasia; Ataxia-telangiectasia, complementation group E; Cerebello-oculocutaneous telangiectasia; Immunodeficiency with ataxia telangiectasia. Identifiers: Orphanet 100, MedGen C0004135, MONDO:0008840, OMIM 208900.

Submissions (4):

Labcorp Genetics (formerly Invitae), Labcorp
Classification: Likely benign for Ataxia-telangiectasia syndrome. Last evaluated: 2024-08-13. Review status: criteria provided, single submitter. Criteria: Invitae Variant Classification Sherloc (09022015). Collection method: clinical testing. Allele origin: germline.

Myriad Genetics, Inc.
Classification: Benign for Familial cancer of breast. Last evaluated: 2024-06-24. Review status: criteria provided, single submitter. Criteria: Myriad Autosomal Dominant, Autosomal Recessive and X-Linked Classification Criteria (2023). Collection method: clinical testing. Allele origin: unknown.
Comment: This variant is considered benign. This variant is a silent/synonymous amino acid change and it is not expected to impact splicing.

GeneDx
Classification: Likely benign. Last evaluated: 2016-11-23. Review status: criteria provided, single submitter. Criteria: GeneDx Variant Classification (06012015). Collection method: clinical testing. Allele origin: germline. Affected: yes.
Comment: This variant is considered likely benign or benign based on one or more of the following criteria: it is a conservative change, it occurs at a poorly conserved position in the protein, it is predicted to be benign by multiple in silico algorithms, and/or has population frequency not consistent with disease.

Ambry Genetics
Classification: Likely benign for Hereditary cancer-predisposing syndrome. Last evaluated: 2014-07-14. Review status: criteria provided, single submitter. Criteria: Ambry Variant Classification Scheme 2023. Collection method: clinical testing. Allele origin: germline.